The following is an entry in ClinVar:

NM_021800.3(DNAJC12):c.210G>C (p.Glu70Asp)

Gene: DNAJC12 (DnaJ heat shock protein family (Hsp40) member C12; minus strand). Cytogenetic location: 10q21.3.
Variant type: single nucleotide variant.
Coding change: c.210G>C on transcript NM_021800.3 (MANE Select); coding-DNA position 210, G replaced by C.
Protein change: p.Glu70Asp; replaces glutamic acid 70 with aspartic acid.
Molecular consequence: missense variant.
Genome position (GRCh38, 1-based): chr10:67,811,611, C>G on the plus strand (G>C on the coding strand, the complement: DNAJC12 is on the minus strand). VCF-style: chr10-67811611-C-G. GRCh37 (hg19) VCF-style: chr10-69571369-C-G.
Other names: c.210G>C, p.Glu70Asp (NM_201262.2); short protein forms E70D.
Identifiers: ClinVar variation 3841496 (VCV003841496.2).
Genomic context (GRCh38, chr10:67,811,611, plus strand): 5'-CCACTGCTGGAATGGCATCGACATCTGGCTCCTTCGCCAGTGGTCATAGCGGGCTCGACT[C>G]TCTTCATTGGTCAGAATCTCCTTTGCCTTCTGCAGTTTCTGAAAAGTCTCCACTGGAAAA-3'
Protein context (NP_068572.1, residues 60-80): QKAKEILTNE[Glu70Asp]SRARYDHWRR

ClinVar aggregate classification (germline): Uncertain significance. Review status: criteria provided, multiple submitters, no conflicts (2 of 4 stars). 2 submissions from 2 submitters: Uncertain significance (2). Last evaluated 2025-12-15.

Conditions:
Inborn genetic diseases. Identifiers: MedGen C0950123, MeSH D030342.

gnomAD v4.1: 31 of 1,614,086 alleles (0.0019%); highest among the groups gnomAD compares: Non-Finnish European, 0.0025%; no homozygotes.

Submissions (2):

Labcorp Genetics (formerly Invitae), Labcorp
Classification: Uncertain significance. Last evaluated: 2025-12-15. Review status: criteria provided, single submitter. Criteria: Invitae Variant Classification Sherloc (09022015). Collection method: clinical testing. Allele origin: germline.
Comment: This sequence change replaces glutamic acid, which is acidic and polar, with aspartic acid, which is acidic and polar, at codon 70 of the DNAJC12 protein (p.Glu70Asp). This variant is present in population databases (rs775170395, gnomAD 0.002%). This variant has not been reported in the literature in individuals affected with DNAJC12-related conditions. ClinVar contains an entry for this variant (Variation ID: 3841496). An algorithm developed to predict the effect of missense changes on protein structure and function (PolyPhen-2) suggests that this variant is likely to be tolerated. In summary, the available evidence is currently insufficient to determine the role of this variant in disease. Therefore, it has been classified as a Variant of Uncertain Significance.

Ambry Genetics
Classification: Uncertain significance for Inborn genetic diseases. Last evaluated: 2025-02-01. Review status: criteria provided, single submitter. Criteria: Ambry Variant Classification Scheme 2023. Collection method: clinical testing. Allele origin: germline.